The following is an entry in ClinVar:

ClinVar aggregate classification (germline): Pathogenic (1 of 4 stars; one submission).

Conditions:
Polycystic kidney disease, adult type (PKD1). Also called: Polycystic Kidney, Autosomal Dominant; POLYCYSTIC KIDNEY DISEASE, ADULT, TYPE I; Polycystic Kidney Disease 1, Autosomal Dominant; Polycystic kidney disease 1; Polycystic kidney disease 1, severe; POLYCYSTIC KIDNEY DISEASE 1 WITH OR WITHOUT POLYCYSTIC LIVER DISEASE. Identifiers: MedGen C3149841, MONDO:0008263, OMIM 173900.

Submission:

Juno Genomics, Hangzhou Juno Genomics, Inc
Classification: Pathogenic for Polycystic kidney disease, adult type. Review status: criteria provided, single submitter. Criteria: ACMG Guidelines, 2015. Collection method: clinical testing. Allele origin: germline. Affected: yes.
Comment: Absent from controls (or at extremely low frequency if recessive) in Genome Aggregation Database, Exome Sequencing Project, 1000 Genomes Project, or Exome Aggregation Consortium.;Null variant in a gene where loss of function (LOF) is a known mechanism of disease.;The prevalence of the variant in affected individuals is significantly increased compared to the prevalence in controls.;Patient's phenotype or family history is highly specific for a disease with a single genetic etiology.

NM_001009944.3(PKD1):c.2246C>A (p.Ser749Ter)

Gene: PKD1 (polycystin 1, transient receptor potential channel interacting; minus strand). Cytogenetic location: 16p13.3.
Variant type: single nucleotide variant.
Coding change: c.2246C>A on transcript NM_001009944.3 (MANE Select); coding-DNA position 2246, C replaced by A.
Protein change: p.Ser749Ter; replaces serine 749 with a stop codon.
Molecular consequence: nonsense.
Genome position (GRCh38, 1-based): chr16:2,114,777, G>T on the plus strand (C>A on the coding strand, the complement: PKD1 is on the minus strand). VCF-style: chr16-2114777-G-T. GRCh37 (hg19) VCF-style: chr16-2164778-G-T.
Other names: c.2246C>A, p.Ser749Ter (NM_000296.4); short protein forms S749*.
Identifiers: ClinVar variation 4533240 (VCV004533240.1).